The following is an entry in ClinVar:

ClinVar aggregate classification (germline): Uncertain significance (1 of 4 stars; one submission).

Submission:

Women's Health and Genetics/Laboratory Corporation of America, LabCorp
Classification: Uncertain significance. Last evaluated: 2026-01-08. Review status: criteria provided, single submitter. Criteria: LabCorp Variant Classification Summary - May 2015. Collection method: clinical testing. Allele origin: germline.
Comment: Variant summary: WAC c.1157T>A (p.Ile386Lys) results in a non-conservative amino acid change in the encoded protein sequence. Algorithms developed to predict the effect of missense changes on protein structure and function are either unavailable or do not agree on the potential impact of this missense change. The variant was absent in 210330 control chromosomes. The available data on variant occurrences in the general population are insufficient to allow any conclusion about variant significance. To our knowledge, no occurrence of c.1157T>A in individuals affected with WAC-related conditions and no experimental evidence demonstrating its impact on protein function have been reported. No submitters have cited clinical-significance assessments for this variant to ClinVar. Based on the evidence outlined above, the variant was classified as uncertain significance.

NM_016628.5(WAC):c.1157T>A (p.Ile386Lys)

Gene: WAC (WW domain containing adaptor with coiled-coil; plus strand). Cytogenetic location: 10p12.1.
Variant type: single nucleotide variant.
Coding change: c.1157T>A on transcript NM_016628.5 (MANE Select); coding-DNA position 1157, T replaced by A.
Protein change: p.Ile386Lys; replaces isoleucine 386 with lysine.
Molecular consequence: missense variant.
Genome position (GRCh38, 1-based): chr10:28,608,423, T>A. VCF-style: chr10-28608423-T-A. GRCh37 (hg19) VCF-style: chr10-28897352-T-A.
Other names: c.1022T>A, p.Ile341Lys (NM_100264.3); c.848T>A, p.Ile283Lys (NM_100486.4); short protein forms I283K, I341K, I386K.
Identifiers: ClinVar variation 4689540 (VCV004689540.1).